The following is an entry in ClinVar:

NM_001378743.1(CYLD):c.2340A>G (p.Leu780=)

Genes: CYLD (CYLD lysine 63 deubiquitinase; plus strand), CYLD-AS2 (CYLD antisense RNA 2; minus strand). Cytogenetic location: 16q12.1.
Variant type: single nucleotide variant.
Coding change: c.2340A>G on transcript NM_001378743.1 (MANE Select); coding-DNA position 2340, A replaced by G.
Protein change: p.Leu780=; no amino-acid change (leucine 780 retained).
Molecular consequence: synonymous variant. On other transcripts: non-coding transcript variant (1).
Genome position (GRCh38, 1-based): chr16:50,792,695, A>G. VCF-style: chr16-50792695-A-G. GRCh37 (hg19) VCF-style: chr16-50826606-A-G.
Other names: c.2331A>G, p.Leu777= (NM_001042355.2, NM_001042412.3, NM_001378744.1 and 6 more transcripts); c.2301A>G, p.Leu767= (NM_001378751.1, NM_001378752.1, NM_001378753.1); c.1665A>G, p.Leu555= (NM_001378754.1, NM_001378755.1); c.2340A>G, p.Leu780= (NM_015247.3).
Identifiers: ClinVar variation 3037023 (VCV003037023.2), dbSNP rs758417671, ClinGen allele CA8052591.

ClinVar aggregate classification (germline): Likely benign (0 of 4 stars; one submission).

Conditions:
CYLD-related disorder. Also called: CYLD-related condition.

Allele frequency attached by ClinVar (database versions not stated): gnomAD exomes below 0.00001; gnomAD 0.00001; ExAC 0.00002; TOPMed 0.00002.
gnomAD v4.1: 8 of 1,447,518 alleles (0.00055%); highest among the groups gnomAD compares: Non-Finnish European, 0.00077%; no homozygotes.

Submission:

PreventionGenetics, part of Exact Sciences
Classification: Likely benign for CYLD-related condition. Last evaluated: 2024-03-01. Review status: no assertion criteria provided. Collection method: clinical testing. Allele origin: germline.
Comment: This variant is classified as likely benign based on ACMG/AMP sequence variant interpretation guidelines (Richards et al. 2015 PMID: 25741868, with internal and published modifications).